The following is an entry in ClinVar:

ClinVar aggregate classification (germline): Uncertain significance (1 of 4 stars; one submission).

Conditions:
Hereditary cancer-predisposing syndrome. Also called: Neoplastic Syndromes, Hereditary; Tumor predisposition; Hereditary Cancer Syndrome; Hereditary neoplastic syndrome. Identifiers: Orphanet 140162, MedGen C0027672, MeSH D009386, MONDO:0015356.

Submission:

Ambry Genetics
Classification: Uncertain significance for Hereditary cancer-predisposing syndrome. Last evaluated: 2026-05-16. Review status: criteria provided, single submitter. Criteria: Ambry Variant Classification Scheme 2023. Collection method: clinical testing. Allele origin: germline.
Comment: The p.F1287L variant (also known as c.3861T>G), located in coding exon 19 of the MET gene, results from a T to G substitution at nucleotide position 3861. The phenylalanine at codon 1287 is replaced by leucine, an amino acid with highly similar properties. This amino acid position is conserved. In addition, this alteration is predicted to be deleterious by in silico analysis. Based on the available evidence, the clinical significance of this variant remains unclear.

NM_000245.4(MET):c.3807T>G (p.Phe1269Leu)

Gene: MET (MET proto-oncogene, receptor tyrosine kinase; plus strand). Cytogenetic location: 7q31.2.
Variant type: single nucleotide variant.
Coding change: c.3807T>G on transcript NM_000245.4 (MANE Select); coding-DNA position 3807, T replaced by G.
Protein change: p.Phe1269Leu; replaces phenylalanine 1269 with leucine.
Molecular consequence: missense variant.
Genome position (GRCh38, 1-based): chr7:116,795,663, T>G. VCF-style: chr7-116795663-T-G. GRCh37 (hg19) VCF-style: chr7-116435717-T-G.
Other names: c.3861T>G, p.Phe1287Leu (NM_001127500.3); c.2517T>G, p.Phe839Leu (NM_001324402.2); short protein forms F1269L, F1287L, F839L.
Identifiers: ClinVar variation 4859991 (VCV004859991.1).